The following is an entry in ClinVar:

NM_004655.4(AXIN2):c.1493C>T (p.Pro498Leu)

Gene: AXIN2 (axin 2; minus strand). Cytogenetic location: 17q24.1.
Variant type: single nucleotide variant.
Coding change: c.1493C>T on transcript NM_004655.4 (MANE Select); coding-DNA position 1493, C replaced by T.
Protein change: p.Pro498Leu; replaces proline 498 with leucine.
Molecular consequence: missense variant.
Genome position (GRCh38, 1-based): chr17:65,537,543, G>A on the plus strand (C>T on the coding strand, the complement: AXIN2 is on the minus strand). VCF-style: chr17-65537543-G-A. GRCh37 (hg19) VCF-style: chr17-63533661-G-A.
Other names: c.1493C>T, p.Pro498Leu (NM_001363813.1); short protein forms P498L.
Identifiers: ClinVar variation 949229 (VCV000949229.13), dbSNP rs1555577765, ClinGen allele CA400677396.

ClinVar aggregate classification (germline): Uncertain significance. Review status: criteria provided, multiple submitters, no conflicts (2 of 4 stars). 2 submissions from 2 submitters: Uncertain significance (2). Last evaluated 2025-10-07.

Conditions:
Hereditary cancer-predisposing syndrome. Also called: Hereditary neoplastic syndrome; Neoplastic Syndromes, Hereditary; Tumor predisposition; Hereditary Cancer Syndrome. Identifiers: Orphanet 140162, MedGen C0027672, MeSH D009386, MONDO:0015356.
Oligodontia-cancer predisposition syndrome. Also called: TOOTH AGENESIS-COLORECTAL CANCER SYNDROME. Identifiers: Orphanet 300576, MedGen C1837750, MONDO:0012075, OMIM 608615. Disease mechanism: loss of function.

Submissions (2):

Labcorp Genetics (formerly Invitae), Labcorp
Classification: Uncertain significance for Oligodontia-cancer predisposition syndrome. Last evaluated: 2025-10-07. Review status: criteria provided, single submitter. Criteria: Invitae Variant Classification Sherloc (09022015). Collection method: clinical testing. Allele origin: germline.
Comment: This sequence change replaces proline, which is neutral and non-polar, with leucine, which is neutral and non-polar, at codon 498 of the AXIN2 protein (p.Pro498Leu). This variant is not present in population databases (gnomAD no frequency). This variant has not been reported in the literature in individuals affected with AXIN2-related conditions. ClinVar contains an entry for this variant (Variation ID: 949229). An algorithm developed to predict the effect of missense changes on protein structure and function (PolyPhen-2) suggests that this variant is likely to be tolerated. In summary, the available evidence is currently insufficient to determine the role of this variant in disease. Therefore, it has been classified as a Variant of Uncertain Significance.

Ambry Genetics
Classification: Uncertain significance for Hereditary cancer-predisposing syndrome. Last evaluated: 2024-12-31. Review status: criteria provided, single submitter. Criteria: Ambry Variant Classification Scheme 2023. Collection method: clinical testing. Allele origin: germline.
Comment: The p.P498L variant (also known as c.1493C>T), located in coding exon 5 of the AXIN2 gene, results from a C to T substitution at nucleotide position 1493. The proline at codon 498 is replaced by leucine, an amino acid with similar properties. This amino acid position is not well conserved in available vertebrate species. In addition, this alteration is predicted to be tolerated by in silico analysis. Based on the available evidence, the clinical significance of this variant remains unclear.